The following is an entry in ClinVar:

ClinVar aggregate classification (germline): Uncertain significance. Review status: criteria provided, multiple submitters, no conflicts (2 of 4 stars). 3 submissions from 3 submitters: Uncertain significance (3). Last evaluated 2025-04-27.

Conditions:
Inborn genetic diseases. Identifiers: MedGen C0950123, MeSH D030342.

gnomAD v4.1: 74 of 1,332,072 alleles (0.0056%); highest among the groups gnomAD compares: Middle Eastern, 0.14%; 1 homozygote.

Submissions (3):

Ambry Genetics
Classification: Uncertain significance for Inborn genetic diseases. Last evaluated: 2025-04-27. Review status: criteria provided, single submitter. Criteria: Ambry Variant Classification Scheme 2023. Collection method: clinical testing. Allele origin: germline.

Blueprint Genetics
Classification: Uncertain significance. Last evaluated: 2024-10-16. Review status: criteria provided, single submitter. Criteria: ACMG Guidelines, 2015. Collection method: clinical testing. Allele origin: germline.

Labcorp Genetics (formerly Invitae), Labcorp
Classification: Uncertain significance. Last evaluated: 2022-03-16. Review status: criteria provided, single submitter. Criteria: Invitae Variant Classification Sherloc (09022015). Collection method: clinical testing. Allele origin: germline.
Comment: In summary, the available evidence is currently insufficient to determine the role of this variant in disease. Therefore, it has been classified as a Variant of Uncertain Significance. Algorithms developed to predict the effect of missense changes on protein structure and function (SIFT, PolyPhen-2, Align-GVGD) all suggest that this variant is likely to be tolerated. This variant has not been reported in the literature in individuals affected with ESPN-related conditions. This variant is present in population databases (rs763478520, gnomAD 0.09%). This sequence change replaces proline, which is neutral and non-polar, with leucine, which is neutral and non-polar, at codon 571 of the ESPN protein (p.Pro571Leu).

NM_031475.3(ESPN):c.1712C>T (p.Pro571Leu)

Gene: ESPN (espin; plus strand). Cytogenetic location: 1p36.31.
Variant type: single nucleotide variant.
Coding change: c.1712C>T on transcript NM_031475.3 (MANE Select); coding-DNA position 1712, C replaced by T.
Protein change: p.Pro571Leu; replaces proline 571 with leucine.
Molecular consequence: missense variant. On other transcripts: intron variant (2).
Genome position (GRCh38, 1-based): chr1:6,448,888, C>T. VCF-style: chr1-6448888-C-T. GRCh37 (hg19) VCF-style: chr1-6508948-C-T.
Other names: c.1627-5C>T (NM_001367474.1, NM_001367473.1); c.1712C>T (NM_031475.2); short protein forms P571L.
Identifiers: ClinVar variation 2175470 (VCV002175470.5), dbSNP rs763478520, ClinGen allele CA560286.